The following is an entry in ClinVar:

ClinVar aggregate classification (germline): Uncertain significance (1 of 4 stars; one submission).

Allele frequency attached by ClinVar (database versions not stated): gnomAD exomes below 0.00001.
gnomAD v4.1: 3 of 1,607,812 alleles (0.00019%); highest among the groups gnomAD compares: Non-Finnish European, 0.00025%; no homozygotes.

Submission:

Labcorp Genetics (formerly Invitae), Labcorp
Classification: Uncertain significance. Last evaluated: 2023-10-06. Review status: criteria provided, single submitter. Criteria: Invitae Variant Classification Sherloc (09022015). Collection method: clinical testing. Allele origin: germline.
Comment: This sequence change replaces arginine, which is basic and polar, with glycine, which is neutral and non-polar, at codon 246 of the PROM1 protein (p.Arg246Gly). This variant is not present in population databases (gnomAD no frequency). This variant has not been reported in the literature in individuals affected with PROM1-related conditions. Advanced modeling of protein sequence and biophysical properties (such as structural, functional, and spatial information, amino acid conservation, physicochemical variation, residue mobility, and thermodynamic stability) performed at Invitae indicates that this missense variant is not expected to disrupt PROM1 protein function. In summary, the available evidence is currently insufficient to determine the role of this variant in disease. Therefore, it has been classified as a Variant of Uncertain Significance.

NM_006017.3(PROM1):c.736A>G (p.Arg246Gly)

Gene: PROM1 (prominin 1; minus strand). Cytogenetic location: 4p15.32.
Variant type: single nucleotide variant.
Coding change: c.736A>G on transcript NM_006017.3 (MANE Select); coding-DNA position 736, A replaced by G.
Protein change: p.Arg246Gly; replaces arginine 246 with glycine.
Molecular consequence: missense variant.
Genome position (GRCh38, 1-based): chr4:16,023,374, T>C on the plus strand (A>G on the coding strand, the complement: PROM1 is on the minus strand). VCF-style: chr4-16023374-T-C. GRCh37 (hg19) VCF-style: chr4-16024997-T-C.
Other names: c.709A>G, p.Arg237Gly (NM_001145847.2, NM_001145848.2, NM_001145851.2 and 4 more transcripts); c.736A>G, p.Arg246Gly (NM_001145849.2, NM_001145850.2); short protein forms R237G, R246G.
Identifiers: ClinVar variation 2794845 (VCV002794845.3), dbSNP rs1362199163, ClinGen allele CA356422828.